The following is an entry in ClinVar:

NM_002972.4(SBF1):c.3257dup (p.Pro1086_Glu1087insTer)

Gene: SBF1 (SET binding factor 1; minus strand). Cytogenetic location: 22q13.33.
Variant type: Duplication.
Coding change: c.3257dup on transcript NM_002972.4 (MANE Select); coding-DNA position 3257, one base duplicated (C; older notation c.3257dupC).
Protein change: p.Pro1086_Glu1087insTer.
Molecular consequence: frameshift variant. On other transcripts: nonsense (1).
Genome position (GRCh38, 1-based): chr22:50,460,298, G duplicated on the plus strand (C on the coding strand, the reverse complement: SBF1 is on the minus strand); the first of 5 consecutive G bases (chr22:50,460,298-50,460,302); duplicating any one gives the same sequence. VCF-style (leftmost placement, unchanged base first): chr22-50460297-A-AG. GRCh37 (hg19) VCF-style: chr22-50898726-A-AG.
Other names: c.3260dup, p.Pro1087_Glu1088insTer (NM_001365819.1, NM_001410794.1); c.3257dup, p.Pro1086_Glu1087insTer (NM_001410795.1); c.3253dup, p.Glu1087Terfs (NM_197971.1).
Identifiers: ClinVar variation 2874544 (VCV002874544.3), dbSNP rs2521916625, ClinGen allele CA2657546447.
Genomic context (GRCh38, chr22:50,460,297, plus strand): 5'-AGAGACCACCCAGGACTCCACCCCCACCCCTCCACCTGAGATCTCGTCCTCCTGGTCCTC[A>AG]GGGGGCGGCTGGCCCCGGTGCTCCCAGCTGGGGGGGTTGTACTTCTTGCGAGTGACATGC-3'

ClinVar aggregate classification (germline): Pathogenic (1 of 4 stars; one submission).

Submission:

Labcorp Genetics (formerly Invitae), Labcorp
Classification: Pathogenic. Last evaluated: 2023-06-23. Review status: criteria provided, single submitter. Criteria: Invitae Variant Classification Sherloc (09022015). Collection method: clinical testing. Allele origin: germline.
Comment: This variant has not been reported in the literature in individuals affected with SBF1-related conditions. This variant is not present in population databases (gnomAD no frequency). This sequence change creates a premature translational stop signal (p.Glu1087*) in the SBF1 gene. It is expected to result in an absent or disrupted protein product. Loss-of-function variants in SBF1 are known to be pathogenic (PMID: 28005197, 28902413). Algorithms developed to predict the effect of sequence changes on RNA splicing suggest that this variant may create or strengthen a splice site. For these reasons, this variant has been classified as Pathogenic.

Literature cited by the submitters: PubMed 28005197; PubMed 28902413.